The following is an entry in ClinVar:

NM_032977.4(CASP10):c.177A>G (p.Ser59=)

Gene: CASP10 (caspase 10; plus strand). Cytogenetic location: 2q33.1.
Variant type: single nucleotide variant.
Coding change: c.177A>G on transcript NM_032977.4 (MANE Select); coding-DNA position 177, A replaced by G.
Protein change: p.Ser59=; no amino-acid change (serine 59 retained).
Molecular consequence: synonymous variant.
Genome position (GRCh38, 1-based): chr2:201,185,954, A>G. VCF-style: chr2-201185954-A-G. GRCh37 (hg19) VCF-style: chr2-202050677-A-G.
Other names: p.Ser59=; c.177A>G, p.Ser59= (NM_001206524.2, NM_001206542.2, NM_001230.5 and 3 more transcripts).
Identifiers: ClinVar variation 333418 (VCV000333418.31), dbSNP rs3900115, ClinGen allele CA2052792.

ClinVar aggregate classification (germline): Benign/Likely benign. Review status: criteria provided, multiple submitters, no conflicts (2 of 4 stars). 11 submissions from 11 submitters: Benign (8); Likely benign (1). 2 of the submissions do not count toward it. Last evaluated 2026-02-04.

Conditions:
Autoimmune lymphoproliferative syndrome type 2A (ALPS2A). Also called: CASP10-Related Autoimmune Lymphoproliferative Syndrome; AUTOIMMUNE LYMPHOPROLIFERATIVE SYNDROME, TYPE IIA; Autoimmune lymphoproliferative syndrome type 2. Identifiers: Orphanet 3261, MedGen C1858968, MONDO:0011383, OMIM 603909.

Allele frequency attached by ClinVar (database versions not stated): 1000 Genomes Project 0.39417; 1000 Genomes Project 30x 0.39866; gnomAD exomes 0.44825; ExAC 0.45240; TOPMed 0.47434; gnomAD 0.48314 and 0.49172; ESP Exome Variant Server 0.51015.
gnomAD v4.1: 801,132 of 1,613,588 alleles (50%); highest among the groups gnomAD compares: Non-Finnish European, 53%; 203,378 homozygotes.

Submissions (11):

Labcorp Genetics (formerly Invitae), Labcorp
Classification: Benign for Autoimmune lymphoproliferative syndrome type 2A. Last evaluated: 2026-02-04. Review status: criteria provided, single submitter. Criteria: Invitae Variant Classification Sherloc (09022015). Collection method: clinical testing. Allele origin: germline.

Blueprint Genetics
Classification: Likely benign. Last evaluated: 2024-11-26. Review status: criteria provided, single submitter. Criteria: ACMG Guidelines, 2015. Collection method: clinical testing. Allele origin: germline.

Unidad de Genómica Garrahan, Hospital de Pediatría Garrahan
Classification: Benign. Last evaluated: 2023-11-12. Review status: criteria provided, single submitter. Criteria: ACMG Guidelines, 2015. Collection method: clinical testing. Allele origin: germline. Affected: no. Observed: 65 variant alleles.
Comment: This variant is classified as Benign based on local population frequency. This variant was detected in 68% of patients studied by a panel of primary immunodeficiencies. Number of patients: 65. Only high quality variants are reported.

Mayo Clinic Laboratories, Mayo Clinic
Classification: Benign. Last evaluated: 2022-09-06. Review status: criteria provided, single submitter. Criteria: ACMG Guidelines, 2015. Collection method: clinical testing. Allele origin: germline. Observed: 501 variant alleles.

Genome-Nilou Lab
Classification: Benign for Autoimmune lymphoproliferative syndrome type 2A. Last evaluated: 2021-07-14. Review status: criteria provided, single submitter. Criteria: ACMG Guidelines, 2015. Collection method: clinical testing. Allele origin: germline. Affected: no.

Illumina Laboratory Services, Illumina
Classification: Benign for Autoimmune lymphoproliferative syndrome type 2A. Last evaluated: 2018-01-13. Review status: criteria provided, single submitter. Criteria: ICSL Variant Classification Criteria 13 December 2019. Collection method: clinical testing. Allele origin: germline.
Comment: This variant was observed in the ICSL laboratory as part of a predisposition screen in an ostensibly healthy population. It had not been previously curated by ICSL or reported in the Human Gene Mutation Database (HGMD: prior to June 1st, 2018), and was therefore a candidate for classification through an automated scoring system. Utilizing variant allele frequency, disease prevalence and penetrance estimates, and inheritance mode, an automated score was calculated to assess if this variant is too frequent to cause the disease. Based on the score and internal cut-off values, a variant classified as benign is not then subjected to further curation. The score for this variant resulted in a classification of benign for this disease.

Laboratory for Molecular Medicine, Mass General Brigham Personalized Medicine
Classification: Benign. Last evaluated: 2016-03-29. Review status: criteria provided, single submitter. Criteria: LMM Criteria. Collection method: clinical testing. Allele origin: germline.
Comment: Variant identified in a genome or exome case(s) and assessed due to predicted null impact of the variant or pathogenic assertions in the literature or databases. Disclaimer: This variant has not undergone full assessment. The following are preliminary notes: Frequency

GeneDx
Classification: Benign. Last evaluated: 2015-03-03. Review status: criteria provided, single submitter. Criteria: GeneDx Variant Classification Process June 2021. Collection method: clinical testing. Allele origin: germline. Affected: yes.

Breakthrough Genomics
Classification: Benign. Review status: criteria provided, single submitter. Criteria: ACMG Guidelines, 2015. Collection method: not provided. Allele origin: germline. Inheritance: Autosomal dominant inheritance. Affected: yes.

Diagnostic Laboratory, Department of Genetics, University Medical Center Groningen
Classification: Benign. Review status: no assertion criteria provided. Collection method: clinical testing. Allele origin: germline. Affected: yes. Study: VKGL Data-share Consensus. Not counted in ClinVar's aggregate classification.

Genome Diagnostics Laboratory, University Medical Center Utrecht
Classification: Benign. Review status: no assertion criteria provided. Collection method: clinical testing. Allele origin: germline. Affected: yes. Study: VKGL Data-share Consensus. Not counted in ClinVar's aggregate classification.